The following is an entry in ClinVar:

NM_004448.4(ERBB2):c.1270G>A (p.Val424Ile)

Gene: ERBB2 (erb-b2 receptor tyrosine kinase 2; plus strand). Cytogenetic location: 17q12.
Variant type: single nucleotide variant.
Coding change: c.1270G>A on transcript NM_004448.4 (MANE Select); coding-DNA position 1270, G replaced by A.
Protein change: p.Val424Ile; replaces valine 424 with isoleucine.
Molecular consequence: missense variant. On other transcripts: non-coding transcript variant (1), intron variant (1).
Genome position (GRCh38, 1-based): chr17:39,715,493, G>A. VCF-style: chr17-39715493-G-A. GRCh37 (hg19) VCF-style: chr17-37871746-G-A.
Other names: c.1180G>A, p.Val394Ile (NM_001382783.1, NM_001005862.3, NM_001289938.2 and 1 more transcripts); c.1387G>A, p.Val463Ile (NM_001382784.1, NM_001382786.1); c.1270G>A, p.Val424Ile (NM_001382785.1, NM_001382788.1, NM_001382789.1 and 13 more transcripts); c.1345G>A, p.Val449Ile (NM_001382787.1); c.1261G>A, p.Val421Ile (NM_001382791.1); c.1012G>A, p.Val338Ile (NM_001382802.1); c.442G>A, p.Val148Ile (NM_001382804.1); c.1222+134G>A (NM_001382806.1); and 2 more; short protein forms V421I, V449I, V424I, V463I, V394I, V148I, V338I, V364I.
Identifiers: ClinVar variation 2170431 (VCV002170431.5), dbSNP rs142783371, ClinGen allele CA8533926.

ClinVar aggregate classification (germline): Uncertain significance. Review status: criteria provided, multiple submitters, no conflicts (2 of 4 stars). 2 submissions from 2 submitters: Uncertain significance (2). Last evaluated 2024-06-13.

Conditions:
Lung cancer. Also called: Malignant tumor of lung; Lung cancer, somatic. Identifiers: MedGen C0242379, MONDO:0008903, OMIM 211980.
Glioma susceptibility 1 (GLM1). Also called: Glioblastoma, somatic. Identifiers: MedGen C2750850, MONDO:0024498, OMIM 137800.
Gastric cancer. Also called: Malignant tumor of stomach; Stomach cancer. Identifiers: MedGen C0024623, MeSH D013274, MONDO:0001056, OMIM 613659, HP:0012126.
Ovarian cancer. Also called: OVARIAN CANCER, SOMATIC. Identifiers: Orphanet 213500, MedGen C1140680, MONDO:0008170, OMIM 167000.
Visceral neuropathy, familial, 2, autosomal recessive. Identifiers: MedGen C5561950, MONDO:0030399, OMIM 619465.

Allele frequency attached by ClinVar (database versions not stated): gnomAD exomes 0.00001; ExAC 0.00003; TOPMed 0.00004; gnomAD 0.00006; ESP Exome Variant Server 0.00008; 1000 Genomes Project 30x 0.00016; 1000 Genomes Project 0.00020.

Submissions (2):

Fulgent Genetics
Classification: Uncertain significance for Glioma susceptibility 1; Ovarian cancer; Lung cancer; Gastric cancer; Visceral neuropathy, familial, 2, autosomal recessive. Last evaluated: 2024-06-13. Review status: criteria provided, single submitter. Criteria: ACMG Guidelines, 2015. Collection method: clinical testing. Allele origin: germline.

Labcorp Genetics (formerly Invitae), Labcorp
Classification: Uncertain significance. Last evaluated: 2022-08-25. Review status: criteria provided, single submitter. Criteria: Invitae Variant Classification Sherloc (09022015). Collection method: clinical testing. Allele origin: germline.
Comment: This sequence change replaces valine, which is neutral and non-polar, with isoleucine, which is neutral and non-polar, at codon 424 of the ERBB2 protein (p.Val424Ile). This variant is present in population databases (rs142783371, gnomAD 0.01%). This variant has not been reported in the literature in individuals affected with ERBB2-related conditions. Algorithms developed to predict the effect of missense changes on protein structure and function output the following: SIFT: "Tolerated"; PolyPhen-2: "Benign"; Align-GVGD: "Class C0". The isoleucine amino acid residue is found in multiple mammalian species, which suggests that this missense change does not adversely affect protein function. In summary, the available evidence is currently insufficient to determine the role of this variant in disease. Therefore, it has been classified as a Variant of Uncertain Significance.